The following is an entry in ClinVar:

ClinVar aggregate classification (germline): Uncertain significance (1 of 4 stars; one submission).

Allele frequency attached by ClinVar (database versions not stated): ExAC 0.00001; gnomAD 0.00001; gnomAD exomes 0.00001; TOPMed 0.00002.
gnomAD v4.1: 14 of 1,613,990 alleles (0.00087%); highest among the groups gnomAD compares: Non-Finnish European, 0.00025%; no homozygotes.

Submission:

Labcorp Genetics (formerly Invitae), Labcorp
Classification: Uncertain significance. Last evaluated: 2025-07-13. Review status: criteria provided, single submitter. Criteria: Invitae Variant Classification Sherloc (09022015). Collection method: clinical testing. Allele origin: germline.
Comment: This sequence change replaces aspartic acid, which is acidic and polar, with glutamic acid, which is acidic and polar, at codon 381 of the TNNI3K protein (p.Asp381Glu). This variant is present in population databases (rs762147470, gnomAD 0.01%). This variant has not been reported in the literature in individuals affected with TNNI3K-related conditions. ClinVar contains an entry for this variant (Variation ID: 2189036). Invitae Evidence Modeling of protein sequence and biophysical properties (such as structural, functional, and spatial information, amino acid conservation, physicochemical variation, residue mobility, and thermodynamic stability) indicates that this missense variant is not expected to disrupt TNNI3K protein function with a negative predictive value of 80%. In summary, the available evidence is currently insufficient to determine the role of this variant in disease. Therefore, it has been classified as a Variant of Uncertain Significance.

NM_015978.3(TNNI3K):c.1143T>A (p.Asp381Glu)

Genes: FPGT-TNNI3K (FPGT-TNNI3K readthrough; plus strand), TNNI3K (TNNI3 interacting kinase; plus strand). Cytogenetic location: 1p31.1.
Variant type: single nucleotide variant.
Coding change: c.1143T>A on transcript NM_015978.3 (MANE Select); coding-DNA position 1143, T replaced by A.
Protein change: p.Asp381Glu; replaces aspartic acid 381 with glutamic acid.
Molecular consequence: missense variant.
Genome position (GRCh38, 1-based): chr1:74,354,095, T>A. VCF-style: chr1-74354095-T-A. GRCh37 (hg19) VCF-style: chr1-74819779-T-A.
Other names: c.1446T>A, p.Asp482Glu (NM_001112808.3, NM_001199327.2); short protein forms D381E, D482E.
Identifiers: ClinVar variation 2189036 (VCV002189036.4), dbSNP rs762147470, ClinGen allele CA909164.